The following is an entry in ClinVar:

ClinVar aggregate classification (germline): Likely pathogenic (1 of 4 stars; one submission).

Submission:

Labcorp Genetics (formerly Invitae), Labcorp
Classification: Likely pathogenic. Last evaluated: 2023-09-29. Review status: criteria provided, single submitter. Criteria: Invitae Variant Classification Sherloc (09022015). Collection method: clinical testing. Allele origin: germline.
Comment: In summary, the currently available evidence indicates that the variant is pathogenic, but additional data are needed to prove that conclusively. Therefore, this variant has been classified as Likely Pathogenic. Algorithms developed to predict the effect of sequence changes on RNA splicing suggest that this variant may disrupt the consensus splice site. This variant has not been reported in the literature in individuals affected with EIF2B1-related conditions. This variant is not present in population databases (gnomAD no frequency). This sequence change affects an acceptor splice site in intron 1 of the EIF2B1 gene. It is expected to disrupt RNA splicing. Variants that disrupt the donor or acceptor splice site typically lead to a loss of protein function (PMID: 16199547), and loss-of-function variants in EIF2B1 are known to be pathogenic (PMID: 11835386, 32865661).

Literature cited by the submitters: PubMed 16199547; PubMed 11835386; PubMed 32865661.

NM_001414.4(EIF2B1):c.14-1G>C

Gene: EIF2B1 (eukaryotic translation initiation factor 2B subunit alpha; minus strand). Cytogenetic location: 12q24.31.
Variant type: single nucleotide variant.
Coding change: c.14-1G>C on transcript NM_001414.4 (MANE Select); the canonical splice acceptor site of the intron before coding-DNA position 14, G replaced by C.
Molecular consequence: splice acceptor variant.
Genome position (GRCh38, 1-based): chr12:123,632,447, C>G on the plus strand (G>C on the coding strand, the complement: EIF2B1 is on the minus strand). VCF-style: chr12-123632447-C-G. GRCh37 (hg19) VCF-style: chr12-124116994-C-G.
Identifiers: ClinVar variation 2764190 (VCV002764190.3), dbSNP rs2541679267, ClinGen allele CA387147469.